The following is an entry in ClinVar:

ClinVar aggregate classification (germline): Uncertain significance. Review status: criteria provided, multiple submitters, no conflicts (2 of 4 stars). 2 submissions from 2 submitters: Uncertain significance (2). Last evaluated 2026-02-16.

Conditions:
Hereditary cancer-predisposing syndrome. Also called: Neoplastic Syndromes, Hereditary; Hereditary neoplastic syndrome; Tumor predisposition; Hereditary Cancer Syndrome. Identifiers: Orphanet 140162, MedGen C0027672, MeSH D009386, MONDO:0015356.

Submissions (2):

Ambry Genetics
Classification: Uncertain significance for Hereditary cancer-predisposing syndrome. Last evaluated: 2026-02-16. Review status: criteria provided, single submitter. Criteria: Ambry Variant Classification Scheme 2023. Collection method: clinical testing. Allele origin: germline.
Comment: The p.N207S variant (also known as c.620A>G), located in coding exon 4 of the MSH3 gene, results from an A to G substitution at nucleotide position 620. The asparagine at codon 207 is replaced by serine, an amino acid with highly similar properties. This amino acid position is conserved. In addition, this alteration is predicted to be tolerated by in silico analysis. Based on the available evidence, the clinical significance of this variant remains unclear.

Labcorp Genetics (formerly Invitae), Labcorp
Classification: Uncertain significance. Last evaluated: 2023-06-19. Review status: criteria provided, single submitter. Criteria: Invitae Variant Classification Sherloc (09022015). Collection method: clinical testing. Allele origin: germline.
Comment: ClinVar contains an entry for this variant (Variation ID: 660518). In summary, the available evidence is currently insufficient to determine the role of this variant in disease. Therefore, it has been classified as a Variant of Uncertain Significance. An algorithm developed to predict the effect of missense changes on protein structure and function (PolyPhen-2) suggests that this variant is likely to be tolerated. This variant has not been reported in the literature in individuals affected with MSH3-related conditions. This variant is not present in population databases (gnomAD no frequency). This sequence change replaces asparagine, which is neutral and polar, with serine, which is neutral and polar, at codon 207 of the MSH3 protein (p.Asn207Ser).

NM_002439.5(MSH3):c.620A>G (p.Asn207Ser)

Gene: MSH3 (mutS homolog 3; plus strand). Cytogenetic location: 5q14.1.
Variant type: single nucleotide variant.
Coding change: c.620A>G on transcript NM_002439.5 (MANE Select); coding-DNA position 620, A replaced by G.
Protein change: p.Asn207Ser; replaces asparagine 207 with serine.
Molecular consequence: missense variant.
Genome position (GRCh38, 1-based): chr5:80,670,137, A>G. VCF-style: chr5-80670137-A-G. GRCh37 (hg19) VCF-style: chr5-79965956-A-G.
Other names: c.620A>G (NM_002439.3); short protein forms N207S.
Identifiers: ClinVar variation 660518 (VCV000660518.9), dbSNP rs1580550166, ClinGen allele CA360266400.